The following is an entry in ClinVar:

ClinVar aggregate classification (germline): Pathogenic/Likely pathogenic. Review status: criteria provided, multiple submitters, no conflicts (2 of 4 stars). 3 submissions from 3 submitters: Pathogenic (1); Likely pathogenic (2). Last evaluated 2024-11-02.

Conditions:
Developmental and epileptic encephalopathy, 53. Also called: Epileptic encephalopathy, early infantile, 53. Identifiers: MedGen C4479313, MONDO:0033362, OMIM 617389.
Early-onset Parkinson disease 20. Also called: PARKINSON DISEASE 20, AUTOSOMAL RECESSIVE EARLY-ONSET. Identifiers: Orphanet 391411, MedGen C3809824, MONDO:0014233, OMIM 615530.
Developmental and epileptic encephalopathy, 1 (DEE1). Also called: X-linked infantile spasms; West's syndrome; Tonic spasms with clustering, arrest of psychomotor development and hypsarrhythmia on EEG; X-Linked Infantile Spasm Syndrome; OHTAHARA SYNDROME, X-LINKED; INFANTILE SPASM SYNDROME, X-LINKED 1. Identifiers: MedGen C3463992, MONDO:0010632, OMIM 308350. Disease mechanism: loss of function.
SYNJ1-related disorder. Also called: SYNJ1-related condition.

Allele frequency attached by ClinVar (database versions not stated): gnomAD exomes below 0.00001.
gnomAD v4.1: 1 of 1,612,774 alleles (0.000062%); highest among the groups gnomAD compares: Non-Finnish European, 0.000085%; no homozygotes.

Submissions (3):

PreventionGenetics, part of Exact Sciences
Classification: Likely pathogenic for SYNJ1-related condition. Last evaluated: 2024-11-02. Review status: criteria provided, single submitter. Criteria: ACMG Guidelines, 2015. Collection method: clinical testing. Allele origin: germline.
Comment: The SYNJ1 c.1717C>T variant is predicted to result in premature protein termination (p.Arg573*). To our knowledge, this variant has not been reported in the literature or in a large population database (gnomAD), indicating this variant is rare. Nonsense variants in SYNJ1 are expected to be pathogenic. This variant is interpreted as likely pathogenic.

Labcorp Genetics (formerly Invitae), Labcorp
Classification: Pathogenic for Developmental and epileptic encephalopathy, 53; Early-onset Parkinson disease 20. Last evaluated: 2024-06-04. Review status: criteria provided, single submitter. Criteria: Invitae Variant Classification Sherloc (09022015). Collection method: clinical testing. Allele origin: germline.
Comment: This sequence change creates a premature translational stop signal (p.Arg573*) in the SYNJ1 gene. It is expected to result in an absent or disrupted protein product. Loss-of-function variants in SYNJ1 are known to be pathogenic (PMID: 25316601, 27435091). This variant is not present in population databases (gnomAD no frequency). This variant has not been reported in the literature in individuals affected with SYNJ1-related conditions. ClinVar contains an entry for this variant (Variation ID: 623235). Algorithms developed to predict the effect of sequence changes on RNA splicing suggest that this variant may disrupt the consensus splice site. For these reasons, this variant has been classified as Pathogenic.

Molecular Diagnostics Laboratory, M Health Fairview: University of Minnesota
Classification: Likely pathogenic for Developmental and epileptic encephalopathy, 1. Last evaluated: 2018-11-20. Review status: criteria provided, single submitter. Criteria: ACMG Guidelines, 2015. Collection method: clinical testing. Allele origin: germline. Affected: yes. Observed: 1 variant allele.

Literature cited by the submitters: PubMed 25316601 (cited by Labcorp Genetics (formerly Invitae), Labcorp); PubMed 27435091 (cited by Labcorp Genetics (formerly Invitae), Labcorp).

NM_203446.3(SYNJ1):c.1600C>T (p.Arg534Ter)

Gene: SYNJ1 (synaptojanin 1; minus strand). Cytogenetic location: 21q22.11.
Variant type: single nucleotide variant.
Coding change: c.1600C>T on transcript NM_203446.3 (MANE Select); coding-DNA position 1600, C replaced by T.
Protein change: p.Arg534Ter; replaces arginine 534 with a stop codon.
Molecular consequence: nonsense.
Genome position (GRCh38, 1-based): chr21:32,673,466, G>A on the plus strand (C>T on the coding strand, the complement: SYNJ1 is on the minus strand). VCF-style: chr21-32673466-G-A. GRCh37 (hg19) VCF-style: chr21-34045776-G-A.
Other names: c.1600C>T, p.Arg534Ter (NM_001160302.2); c.1585C>T, p.Arg529Ter (NM_001160306.2); c.1717C>T, p.Arg573Ter (NM_003895.4); short protein forms R573*, R534*, R529*.
Identifiers: ClinVar variation 623235 (VCV000623235.4), dbSNP rs1569075471, ClinGen allele CA410085417.